The following is an entry in ClinVar:

ClinVar aggregate classification (germline): Uncertain significance (1 of 4 stars; one submission).

Conditions:
Familial adenomatous polyposis 1 (FAP1). Also called: POLYPOSIS, ADENOMATOUS INTESTINAL; FAMILIAL ADENOMATOUS POLYPOSIS 1, ATTENUATED. Identifiers: MedGen C2713442, MONDO:0021056, OMIM 175100. Disease mechanism: loss of function.

Submission:

Labcorp Genetics (formerly Invitae), Labcorp
Classification: Uncertain significance for Familial adenomatous polyposis 1. Last evaluated: 2023-09-10. Review status: criteria provided, single submitter. Criteria: Invitae Variant Classification Sherloc (09022015). Collection method: clinical testing. Allele origin: germline.
Comment: Advanced modeling of protein sequence and biophysical properties (such as structural, functional, and spatial information, amino acid conservation, physicochemical variation, residue mobility, and thermodynamic stability) performed at Invitae indicates that this missense variant is not expected to disrupt APC protein function. This variant has not been reported in the literature in individuals affected with APC-related conditions. This variant is not present in population databases (gnomAD no frequency). This sequence change replaces asparagine, which is neutral and polar, with aspartic acid, which is acidic and polar, at codon 2743 of the APC protein (p.Asn2743Asp). In summary, the available evidence is currently insufficient to determine the role of this variant in disease. Therefore, it has been classified as a Variant of Uncertain Significance.

NM_000038.6(APC):c.8227A>G (p.Asn2743Asp)

Gene: APC (APC regulator of Wnt signaling pathway; plus strand). Cytogenetic location: 5q22.2.
Variant type: single nucleotide variant.
Coding change: c.8227A>G on transcript NM_000038.6 (MANE Select); coding-DNA position 8227, A replaced by G.
Protein change: p.Asn2743Asp; replaces asparagine 2743 with aspartic acid.
Molecular consequence: missense variant. On other transcripts: non-coding transcript variant (2).
Genome position (GRCh38, 1-based): chr5:112,843,821, A>G. VCF-style: chr5-112843821-A-G. GRCh37 (hg19) VCF-style: chr5-112179518-A-G.
Other names: c.8227A>G, p.Asn2743Asp (NM_001127510.3, NM_001354895.2, NM_001407450.1); c.8173A>G, p.Asn2725Asp (NM_001127511.3); c.8281A>G, p.Asn2761Asp (NM_001354896.2, NM_001407447.1, NM_001407448.1 and 1 more transcripts); c.8257A>G, p.Asn2753Asp (NM_001354897.2); c.8152A>G, p.Asn2718Asp (NM_001354898.2); c.8143A>G, p.Asn2715Asp (NM_001354899.2); c.8104A>G, p.Asn2702Asp (NM_001354900.2); c.8050A>G, p.Asn2684Asp (NM_001354901.2, NM_001407453.1); and 11 more; short protein forms N2359D, N2684D, N2718D, N2652D, N2702D, N2725D, N2736D, N2743D.
Identifiers: ClinVar variation 2759503 (VCV002759503.3), dbSNP rs2150001385, ClinGen allele CA16039191.